The following is an entry in ClinVar:

ClinVar aggregate classification (germline): Likely benign (1 of 4 stars; one submission).

gnomAD v4.1: 15 of 1,612,882 alleles (0.00093%); highest among the groups gnomAD compares: East Asian, 0.018%; no homozygotes.

Submission:

CeGaT Center for Human Genetics Tuebingen
Classification: Likely benign. Last evaluated: 2025-07-01. Review status: criteria provided, single submitter. Criteria: CeGaT Center For Human Genetics Tuebingen Variant Classification Criteria Version 2. Collection method: clinical testing. Allele origin: germline. Affected: yes. Observed: 1 variant allele.
Comment: CIC: BP4, BP7

NM_001386298.1(CIC):c.5503C>T (p.Leu1835=)

Gene: CIC (capicua transcriptional repressor; plus strand). Cytogenetic location: 19q13.2.
Variant type: single nucleotide variant.
Coding change: c.5503C>T on transcript NM_001386298.1 (MANE Select); coding-DNA position 5503, C replaced by T.
Protein change: p.Leu1835=; no amino-acid change (leucine 1835 retained).
Molecular consequence: synonymous variant.
Genome position (GRCh38, 1-based): chr19:42,291,635, C>T. VCF-style: chr19-42291635-C-T. GRCh37 (hg19) VCF-style: chr19-42795787-C-T.
Other names: c.5503C>T, p.Leu1835= (NM_001304815.2, NM_001379480.1, NM_001379482.1 and 6 more transcripts); c.2776C>T, p.Leu926= (NM_001379484.1, NM_001379485.1, NM_001439189.1 and 3 more transcripts).
Identifiers: ClinVar variation 4084122 (VCV004084122.8).